The following is an entry in ClinVar:

ClinVar aggregate classification (germline): Uncertain significance. Review status: criteria provided, multiple submitters, no conflicts (2 of 4 stars). 5 submissions from 5 submitters: Uncertain significance (4). 1 of the submissions does not count toward it. Last evaluated 2025-03-28.

Conditions:
Glycogen storage disease type III (GSD3). Also called: Cori disease; FORBES DISEASE. Identifiers: Orphanet 366, MedGen C0017922, MONDO:0009291, OMIM 232400.
Inborn genetic diseases. Identifiers: MedGen C0950123, MeSH D030342.

Allele frequency attached by ClinVar (database versions not stated): gnomAD 0.00001; gnomAD exomes 0.00001; TOPMed 0.00001; ExAC 0.00002.
gnomAD v4.1: 7 of 1,613,920 alleles (0.00043%); highest among the groups gnomAD compares: Non-Finnish European, 0.00059%; no homozygotes.

Submissions (5):

Ambry Genetics
Classification: Uncertain significance for Inborn genetic diseases. Last evaluated: 2025-03-28. Review status: criteria provided, single submitter. Criteria: Ambry Variant Classification Scheme 2023. Collection method: clinical testing. Allele origin: germline.

Labcorp Genetics (formerly Invitae), Labcorp
Classification: Uncertain significance for Glycogen storage disease type III. Last evaluated: 2022-03-08. Review status: criteria provided, single submitter. Criteria: Invitae Variant Classification Sherloc (09022015). Collection method: clinical testing. Allele origin: germline.
Comment: This sequence change replaces methionine, which is neutral and non-polar, with lysine, which is basic and polar, at codon 463 of the AGL protein (p.Met463Lys). This variant is present in population databases (rs775358277, gnomAD 0.002%). This variant has not been reported in the literature in individuals affected with AGL-related conditions. ClinVar contains an entry for this variant (Variation ID: 1042856). Algorithms developed to predict the effect of missense changes on protein structure and function are either unavailable or do not agree on the potential impact of this missense change (SIFT: "Deleterious"; PolyPhen-2: "Probably Damaging"; Align-GVGD: "Class C0"). In summary, the available evidence is currently insufficient to determine the role of this variant in disease. Therefore, it has been classified as a Variant of Uncertain Significance.

GeneDx
Classification: Uncertain significance. Last evaluated: 2021-08-09. Review status: criteria provided, single submitter. Criteria: GeneDx Variant Classification Process June 2021. Collection method: clinical testing. Allele origin: germline. Affected: yes.
Comment: Not observed at significant frequency in large population cohorts (Lek et al., 2016); In silico analysis supports that this missense variant has a deleterious effect on protein structure/function; Has not been previously published as pathogenic or benign to our knowledge; This variant is associated with the following publications: (PMID: 27535533)

Genome-Nilou Lab
Classification: Uncertain significance for Glycogen storage disease type III. Last evaluated: 2021-07-15. Review status: criteria provided, single submitter. Criteria: ACMG Guidelines, 2015. Collection method: clinical testing. Allele origin: germline. Affected: no.

Natera, Inc.
Classification: Uncertain significance for Glycogen storage disease type III. Last evaluated: 2020-03-20. Review status: no assertion criteria provided. Collection method: clinical testing. Allele origin: germline. Not counted in ClinVar's aggregate classification.

NM_000642.3(AGL):c.1388T>A (p.Met463Lys)

Gene: AGL (amylo-alpha-1,6-glucosidase and 4-alpha-glucanotransferase; plus strand). Cytogenetic location: 1p21.2.
Variant type: single nucleotide variant.
Coding change: c.1388T>A on transcript NM_000642.3 (MANE Select); coding-DNA position 1388, T replaced by A.
Protein change: p.Met463Lys; replaces methionine 463 with lysine.
Molecular consequence: missense variant.
Genome position (GRCh38, 1-based): chr1:99,876,562, T>A. VCF-style: chr1-99876562-T-A. GRCh37 (hg19) VCF-style: chr1-100342118-T-A.
Other names: c.1388T>A, p.Met463Lys (NM_000028.3, NM_000643.3, NM_000644.3 and 2 more transcripts); c.1340T>A, p.Met447Lys (NM_000646.3); c.1187T>A, p.Met396Lys (NM_001425327.1); c.1184T>A, p.Met395Lys (NM_001425328.1, NM_001425329.1); c.1010T>A, p.Met337Lys (NM_001425332.1); short protein forms M463K, M447K, M337K, M395K, M396K.
Identifiers: ClinVar variation 1042856 (VCV001042856.11), dbSNP rs775358277, ClinGen allele CA966471.